The following is an entry in ClinVar:

ClinVar aggregate classification (germline): Uncertain significance (1 of 4 stars; one submission).

Conditions:
Retinoblastoma (RB1). Also called: RETINOBLASTOMA, SOMATIC. Identifiers: Orphanet 790, MedGen C0035335, MeSH D012175, MONDO:0008380, OMIM 180200, HP:0009919. Disease mechanism: loss of function. Inheritance: Both sporadic and heritable forms are tested..

Submission:

Labcorp Genetics (formerly Invitae), Labcorp
Classification: Uncertain significance for Retinoblastoma. Last evaluated: 2025-10-27. Review status: criteria provided, single submitter. Criteria: Invitae Variant Classification Sherloc (09022015). Collection method: clinical testing. Allele origin: germline.
Comment: This sequence change replaces methionine, which is neutral and non-polar, with lysine, which is basic and polar, at codon 484 of the RB1 protein (p.Met484Lys). This variant is not present in population databases (gnomAD no frequency). This variant has not been reported in the literature in individuals affected with RB1-related conditions. Invitae Evidence Modeling of protein sequence and biophysical properties (such as structural, functional, and spatial information, amino acid conservation, physicochemical variation, residue mobility, and thermodynamic stability) indicates that this missense variant is not expected to disrupt RB1 protein function with a negative predictive value of 80%. In summary, the available evidence is currently insufficient to determine the role of this variant in disease. Therefore, it has been classified as a Variant of Uncertain Significance.

NM_000321.3(RB1):c.1451T>A (p.Met484Lys)

Gene: RB1 (RB transcriptional corepressor 1; plus strand). Cytogenetic location: 13q14.2.
Variant type: single nucleotide variant.
Coding change: c.1451T>A on transcript NM_000321.3 (MANE Select); coding-DNA position 1451, T replaced by A.
Protein change: p.Met484Lys; replaces methionine 484 with lysine.
Molecular consequence: missense variant.
Genome position (GRCh38, 1-based): chr13:48,380,194, T>A. VCF-style: chr13-48380194-T-A. GRCh37 (hg19) VCF-style: chr13-48954330-T-A.
Other names: c.1451T>A, p.Met484Lys (NM_001407165.1, NM_001407166.1); short protein forms M484K.
Identifiers: ClinVar variation 4740781 (VCV004740781.1).
Genomic context (GRCh38, chr13:48,380,194, plus strand): 5'-GTATTTTATAATCTTTTTTTTTTTCCTTTAGCAAACTTCTGAATGACAACATTTTTCATA[T>A]GTCTTTATTGGCGTGCGCTCTTGAGGTTGTAATGGCCACATATAGCAGTAAGTTAAATTT-3'
Protein context (NP_000312.2, residues 474-494): SKLLNDNIFH[Met484Lys]SLLACALEVV